The following is an entry in ClinVar:

NM_022367.4(SEMA4A):c.931C>A (p.Pro311Thr)

Gene: SEMA4A (semaphorin 4A; plus strand). Cytogenetic location: 1q22.
Variant type: single nucleotide variant.
Coding change: c.931C>A on transcript NM_022367.4 (MANE Select); coding-DNA position 931, C replaced by A.
Protein change: p.Pro311Thr; replaces proline 311 with threonine.
Molecular consequence: missense variant.
Genome position (GRCh38, 1-based): chr1:156,161,466, C>A. VCF-style: chr1-156161466-C-A. GRCh37 (hg19) VCF-style: chr1-156131257-C-A.
Other names: c.931C>A, p.Pro311Thr (NM_001193300.2, NM_001193301.2, NM_001370567.1); c.535C>A, p.Pro179Thr (NM_001193302.2); c.634C>A, p.Pro212Thr (NM_001370568.1); c.424C>A, p.Pro142Thr (NM_001370569.1, NM_001370571.1); short protein forms P212T, P311T, P142T, P179T.
Identifiers: ClinVar variation 1483364 (VCV001483364.6), dbSNP rs1653652169, ClinGen allele CA342839513.

ClinVar aggregate classification (germline): Uncertain significance (1 of 4 stars; one submission).

gnomAD v4.1: 1 of 1,614,058 alleles (0.000062%); highest among the groups gnomAD compares: African/African-American, 0.0013%; no homozygotes.

Submission:

Labcorp Genetics (formerly Invitae), Labcorp
Classification: Uncertain significance. Last evaluated: 2022-07-26. Review status: criteria provided, single submitter. Criteria: Invitae Variant Classification Sherloc (09022015). Collection method: clinical testing. Allele origin: germline.
Comment: This sequence change replaces proline, which is neutral and non-polar, with threonine, which is neutral and polar, at codon 311 of the SEMA4A protein (p.Pro311Thr). This variant is not present in population databases (gnomAD no frequency). This variant has not been reported in the literature in individuals affected with SEMA4A-related conditions. ClinVar contains an entry for this variant (Variation ID: 1483364). Algorithms developed to predict the effect of missense changes on protein structure and function are either unavailable or do not agree on the potential impact of this missense change (SIFT: "Tolerated"; PolyPhen-2: "Possibly Damaging"; Align-GVGD: "Class C0"). In summary, the available evidence is currently insufficient to determine the role of this variant in disease. Therefore, it has been classified as a Variant of Uncertain Significance.